The following is an entry in ClinVar:

NM_001040108.2(MLH3):c.3475G>C (p.Asp1159His)

Gene: MLH3 (mutL homolog 3; minus strand). Cytogenetic location: 14q24.3.
Variant type: single nucleotide variant.
Coding change: c.3475G>C on transcript NM_001040108.2 (MANE Select); coding-DNA position 3475, G replaced by C.
Protein change: p.Asp1159His; replaces aspartic acid 1159 with histidine.
Molecular consequence: missense variant.
Genome position (GRCh38, 1-based): chr14:75,040,006, C>G on the plus strand (G>C on the coding strand, the complement: MLH3 is on the minus strand). VCF-style: chr14-75040006-C-G. GRCh37 (hg19) VCF-style: chr14-75506709-C-G.
Other names: c.3475G>C, p.Asp1159His (NM_014381.3); short protein forms D1159H.
Identifiers: ClinVar variation 997548 (VCV000997548.12), dbSNP rs755836944, ClinGen allele CA390429122.

ClinVar aggregate classification (germline): Uncertain significance. Review status: criteria provided, multiple submitters, no conflicts (2 of 4 stars). 4 submissions from 4 submitters: Uncertain significance (4). Last evaluated 2025-09-25.

Conditions:
Endometrial carcinoma. Also called: Endometrial carcinoma, somatic. Identifiers: MedGen C0476089, MONDO:0002447, OMIM 608089, HP:0012114.
Colorectal cancer. Also called: Malignant Colorectal Neoplasm; Colorectal cancer, somatic. Identifiers: MedGen C0346629, MONDO:0005575, OMIM 114500.
Colorectal cancer, hereditary nonpolyposis, type 7. Identifiers: Orphanet 144, MedGen C1858380, MONDO:0013725, OMIM 614385.

gnomAD v4.1: 8 of 1,566,604 alleles (0.00051%); highest among the groups gnomAD compares: Admixed American, 0.013%; no homozygotes.

Submissions (4):

Ambry Genetics
Classification: Uncertain significance. Last evaluated: 2025-09-25. Review status: criteria provided, single submitter. Criteria: Ambry Variant Classification Scheme 2023. Collection method: clinical testing. Allele origin: germline.

Fulgent Genetics
Classification: Uncertain significance for Colorectal cancer; Endometrial carcinoma; Colorectal cancer, hereditary nonpolyposis, type 7. Last evaluated: 2024-06-21. Review status: criteria provided, single submitter. Criteria: ACMG Guidelines, 2015. Collection method: clinical testing. Allele origin: germline.

Labcorp Genetics (formerly Invitae), Labcorp
Classification: Uncertain significance for Colorectal cancer, hereditary nonpolyposis, type 7. Last evaluated: 2024-03-20. Review status: criteria provided, single submitter. Criteria: Invitae Variant Classification Sherloc (09022015). Collection method: clinical testing. Allele origin: germline.
Comment: This sequence change replaces aspartic acid, which is acidic and polar, with histidine, which is basic and polar, at codon 1159 of the MLH3 protein (p.Asp1159His). This variant is present in population databases (no rsID available, gnomAD 0.02%). This variant has not been reported in the literature in individuals affected with MLH3-related conditions. ClinVar contains an entry for this variant (Variation ID: 997548). An algorithm developed to predict the effect of missense changes on protein structure and function (PolyPhen-2) suggests that this variant is likely to be disruptive. In summary, the available evidence is currently insufficient to determine the role of this variant in disease. Therefore, it has been classified as a Variant of Uncertain Significance.

Baylor Genetics
Classification: Uncertain significance for Colorectal cancer, hereditary nonpolyposis, type 7. Last evaluated: 2019-02-25. Review status: criteria provided, single submitter. Criteria: ACMG Guidelines, 2015. Collection method: clinical testing. Allele origin: paternal. Affected: yes. Study: CSER-TexasKidsCanSeq.
Comment: This variant was determined to be of uncertain significance according to ACMG Guidelines, 2015 [PMID:25741868].